The following is an entry in ClinVar:

NM_015512.5(DNAH1):c.9353G>A (p.Arg3118Gln)

Gene: DNAH1 (dynein axonemal heavy chain 1; plus strand). Cytogenetic location: 3p21.1.
Variant type: single nucleotide variant.
Coding change: c.9353G>A on transcript NM_015512.5 (MANE Select); coding-DNA position 9353, G replaced by A.
Protein change: p.Arg3118Gln; replaces arginine 3118 with glutamine.
Molecular consequence: missense variant.
Genome position (GRCh38, 1-based): chr3:52,388,599, G>A. VCF-style: chr3-52388599-G-A. GRCh37 (hg19) VCF-style: chr3-52422615-G-A.
Other names: short protein forms R3118Q.
Identifiers: ClinVar variation 1009417 (VCV001009417.5), dbSNP rs376339316, ClinGen allele CA2435453.
Genomic context (GRCh38, chr3:52,388,599, plus strand): 5'-GCATTACCAAGAAGGAGGAGCTGGAGCTGAAGTGTGAGCAGTGTGAGCAGCGGCTGGGCC[G>A]AGCTGGCAAGGTGCGCACCCTCCTCCTGCAAGGCCTGCAAGCGGGCCCGGCCCAGACAGG-3'
Protein context (NP_056327.4, residues 3108-3128): KCEQCEQRLG[Arg3118Gln]AGKLINGLSD

ClinVar aggregate classification (germline): Uncertain significance (1 of 4 stars; one submission).

Conditions:
Spermatogenic failure 18. Identifiers: MedGen C4539783, MONDO:0054615, OMIM 617576.
Ciliary dyskinesia, primary, 37 (CILD37). Also called: CILIARY DYSKINESIA, PRIMARY, 37, WITH OR WITHOUT SITUS INVERSUS. Identifiers: MedGen C4539798, MONDO:0033204, OMIM 617577.

Allele frequency attached by ClinVar (database versions not stated): ExAC 0.00001; gnomAD 0.00001; gnomAD exomes 0.00001; TOPMed 0.00001; ESP Exome Variant Server 0.00015.
gnomAD v4.1: 17 of 1,611,746 alleles (0.0011%); highest among the groups gnomAD compares: East Asian, 0.0022%; no homozygotes.

Submission:

Labcorp Genetics (formerly Invitae), Labcorp
Classification: Uncertain significance for Ciliary dyskinesia, primary, 37; Spermatogenic failure 18. Last evaluated: 2020-07-21. Review status: criteria provided, single submitter. Criteria: Invitae Variant Classification Sherloc (09022015). Collection method: clinical testing. Allele origin: germline.
Comment: This variant has not been reported in the literature in individuals with DNAH1-related conditions. In summary, the available evidence is currently insufficient to determine the role of this variant in disease. Therefore, it has been classified as a Variant of Uncertain Significance. Algorithms developed to predict the effect of missense changes on protein structure and function are either unavailable or do not agree on the potential impact of this missense change (SIFT: "Deleterious"; PolyPhen-2: "Probably Damaging"; Align-GVGD: "Class C0"). This variant is present in population databases (rs376339316, ExAC 0.01%). This sequence change replaces arginine with glutamine at codon 3118 of the DNAH1 protein (p.Arg3118Gln). The arginine residue is highly conserved and there is a small physicochemical difference between arginine and glutamine.